The following is an entry in ClinVar:

ClinVar aggregate classification (germline): Likely benign (1 of 4 stars; one submission).

Allele frequency attached by ClinVar (database versions not stated): gnomAD exomes below 0.00001; TOPMed below 0.00001; gnomAD 0.00001; ExAC 0.00002.
gnomAD v4.1: 8 of 1,614,076 alleles (0.0005%); highest among the groups gnomAD compares: South Asian, 0.0022%; no homozygotes.

Submission:

CeGaT Center for Human Genetics Tuebingen
Classification: Likely benign. Last evaluated: 2024-05-01. Review status: criteria provided, single submitter. Criteria: CeGaT Center For Human Genetics Tuebingen Variant Classification Criteria Version 2. Collection method: clinical testing. Allele origin: germline. Affected: yes. Observed: 1 variant allele.
Comment: SYNE2: BP4, BS2

NM_182914.3(SYNE2):c.16105G>A (p.Val5369Met)

Gene: SYNE2 (spectrin repeat containing nuclear envelope protein 2; plus strand). Cytogenetic location: 14q23.2.
Variant type: single nucleotide variant.
Coding change: c.16105G>A on transcript NM_182914.3 (MANE Select); coding-DNA position 16105, G replaced by A.
Protein change: p.Val5369Met; replaces valine 5369 with methionine.
Molecular consequence: missense variant.
Genome position (GRCh38, 1-based): chr14:64,162,082, G>A. VCF-style: chr14-64162082-G-A. GRCh37 (hg19) VCF-style: chr14-64628800-G-A.
Other names: c.16105G>A, p.Val5369Met (NM_015180.6); short protein forms V5369M.
Identifiers: ClinVar variation 3239301 (VCV003239301.19), dbSNP rs752830328.